The following is an entry in ClinVar:

NM_001370259.2(MEN1):c.966G>A (p.Met322Ile)

Gene: MEN1 (menin 1; minus strand). Cytogenetic location: 11q13.1.
Variant type: single nucleotide variant.
Coding change: c.966G>A on transcript NM_001370259.2 (MANE Select); coding-DNA position 966, G replaced by A.
Protein change: p.Met322Ile; replaces methionine 322 with isoleucine.
Molecular consequence: missense variant.
Genome position (GRCh38, 1-based): chr11:64,806,315, C>T on the plus strand (G>A on the coding strand, the complement: MEN1 is on the minus strand). VCF-style: chr11-64806315-C-T. GRCh37 (hg19) VCF-style: chr11-64573787-C-T.
Other names: c.966G>A, p.Met322Ile (NM_001370260.2, NM_001370261.2, NM_130799.3 and 1 more transcripts); c.861G>A, p.Met287Ile (NM_001370262.2, NM_001370263.2); c.981G>A, p.Met327Ile (NM_130803.3, NM_130804.3, NM_130800.3 and 3 more transcripts); short protein forms M322I, M327I, M287I.
Identifiers: ClinVar variation 583228 (VCV000583228.8), dbSNP rs947594206, ClinGen allele CA223914458.

ClinVar aggregate classification (germline): Uncertain significance (1 of 4 stars; one submission).

Conditions:
Multiple endocrine neoplasia, type 1 (MEN1). Also called: MEN I; WERMER SYNDROME; Endocrine adenomatosis multiple; MEN 1; MEA I. Identifiers: Orphanet 652, MedGen C0025267, MeSH D018761, MONDO:0007540, OMIM 131100.

Allele frequency attached by ClinVar (database versions not stated): TOPMed below 0.00001.

Submission:

Labcorp Genetics (formerly Invitae), Labcorp
Classification: Uncertain significance for Multiple endocrine neoplasia, type 1. Last evaluated: 2025-12-08. Review status: criteria provided, single submitter. Criteria: Invitae Variant Classification Sherloc (09022015). Collection method: clinical testing. Allele origin: germline.
Comment: This sequence change replaces methionine, which is neutral and non-polar, with isoleucine, which is neutral and non-polar, at codon 322 of the MEN1 protein (p.Met322Ile). This variant is not present in population databases (gnomAD no frequency). This variant has not been reported in the literature in individuals affected with MEN1-related conditions. ClinVar contains an entry for this variant (Variation ID: 583228). Invitae Evidence Modeling of protein sequence and biophysical properties (such as structural, functional, and spatial information, amino acid conservation, physicochemical variation, residue mobility, and thermodynamic stability) indicates that this missense variant is not expected to disrupt MEN1 protein function with a negative predictive value of 95%. In summary, the available evidence is currently insufficient to determine the role of this variant in disease. Therefore, it has been classified as a Variant of Uncertain Significance.